The following is an entry in ClinVar:

NM_002772.3(TMPRSS15):c.1148A>G (p.Asp383Gly)

Gene: TMPRSS15 (transmembrane serine protease 15; minus strand). Cytogenetic location: 21q21.1.
Variant type: single nucleotide variant.
Coding change: c.1148A>G on transcript NM_002772.3 (MANE Select); coding-DNA position 1148, A replaced by G.
Protein change: p.Asp383Gly; replaces aspartic acid 383 with glycine.
Molecular consequence: missense variant.
Genome position (GRCh38, 1-based): chr21:18,352,926, T>C on the plus strand (A>G on the coding strand, the complement: TMPRSS15 is on the minus strand). VCF-style: chr21-18352926-T-C. GRCh37 (hg19) VCF-style: chr21-19725243-T-C.
Other names: c.1148A>G (NM_002772.2); short protein forms D383G.
Identifiers: ClinVar variation 2071827 (VCV002071827.4), dbSNP rs778491832, ClinGen allele CA9984542.

ClinVar aggregate classification (germline): Uncertain significance. Review status: criteria provided, multiple submitters, no conflicts (2 of 4 stars). 2 submissions from 2 submitters: Uncertain significance (2). Last evaluated 2023-04-18.

Allele frequency attached by ClinVar (database versions not stated): ExAC 0.00004.
gnomAD v4.1: 11 of 1,612,352 alleles (0.00068%); highest among the groups gnomAD compares: East Asian, 0.022%; no homozygotes.

Submissions (2):

Ambry Genetics
Classification: Uncertain significance. Last evaluated: 2023-04-18. Review status: criteria provided, single submitter. Criteria: Ambry Variant Classification Scheme 2023. Collection method: clinical testing. Allele origin: germline.

Labcorp Genetics (formerly Invitae), Labcorp
Classification: Uncertain significance. Last evaluated: 2023-03-20. Review status: criteria provided, single submitter. Criteria: Invitae Variant Classification Sherloc (09022015). Collection method: clinical testing. Allele origin: germline.
Comment: In summary, the available evidence is currently insufficient to determine the role of this variant in disease. Therefore, it has been classified as a Variant of Uncertain Significance. An algorithm developed to predict the effect of missense changes on protein structure and function (PolyPhen-2) suggests that this variant is likely to be disruptive. ClinVar contains an entry for this variant (Variation ID: 2071827). This variant has not been reported in the literature in individuals affected with TMPRSS15-related conditions. This variant is present in population databases (rs778491832, gnomAD 0.03%). This sequence change replaces aspartic acid, which is acidic and polar, with glycine, which is neutral and non-polar, at codon 383 of the TMPRSS15 protein (p.Asp383Gly).